The following is an entry in ClinVar:

NM_000219.6(KCNE1):c.231A>T (p.Pro77=)

Gene: KCNE1 (potassium voltage-gated channel subfamily E regulatory subunit 1; minus strand). Cytogenetic location: 21q22.12.
Variant type: single nucleotide variant.
Coding change: c.231A>T on transcript NM_000219.6 (MANE Select); coding-DNA position 231, A replaced by T.
Protein change: p.Pro77=; no amino-acid change (proline 77 retained).
Molecular consequence: synonymous variant.
Genome position (GRCh38, 1-based): chr21:34,449,404, T>A on the plus strand (A>T on the coding strand, the complement: KCNE1 is on the minus strand). VCF-style: chr21-34449404-T-A. GRCh37 (hg19) VCF-style: chr21-35821702-T-A.
Other names: c.231A>T, p.Pro77= (NM_001127668.4, NM_001127669.4, NM_001127670.4 and 4 more transcripts).
Identifiers: ClinVar variation 3374389 (VCV003374389.2).
Genomic context (GRCh38, chr21:34,449,404, plus strand): 5'-GGCCTGGACATAGGCCTTGTCCTTCTCTTGCCAGGCATCGGACTCGATGTAGACGTTGAA[T>A]GGGTCGTTCGAGTGCTCCAGCTTCTTGGAGCGGATGTAGCTCAGCATGATGCCCAGGGTG-3'
Protein context (NP_000210.2, residues 67-87): RSKKLEHSND[Pro77=]FNVYIESDAW

Conditions:
Long QT syndrome 5 (LQT5). Identifiers: Orphanet 101016, Orphanet 768, MedGen C1867904, MONDO:0013372, OMIM 613695.

Submission:

Roden Lab, Vanderbilt University Medical Center
No classification provided (evidence only). Condition: Long QT syndrome 5. Review status: no classification provided. Collection method: in vitro. Allele origin: not applicable. Functional consequence: Effect on ion channel function.
ClinVar note: "not provided" was previously submitted as the classification for the variant. However, the classification appeared to be based only on an observation of functional data so it was converted to no classification on 2025-07-30.